The following is an entry in ClinVar:

NM_021942.6(TRAPPC11):c.266A>G (p.His89Arg)

Gene: TRAPPC11 (trafficking protein particle complex subunit 11; plus strand). Cytogenetic location: 4q35.1.
Variant type: single nucleotide variant.
Coding change: c.266A>G on transcript NM_021942.6 (MANE Select); coding-DNA position 266, A replaced by G.
Protein change: p.His89Arg; replaces histidine 89 with arginine.
Molecular consequence: missense variant.
Genome position (GRCh38, 1-based): chr4:183,666,318, A>G. VCF-style: chr4-183666318-A-G. GRCh37 (hg19) VCF-style: chr4-184587471-A-G.
Other names: c.266A>G, p.His89Arg (NM_199053.3); short protein forms H89R.
Identifiers: ClinVar variation 2498964 (VCV002498964.28), dbSNP rs2477082362, ClinGen allele CA358858861.

ClinVar aggregate classification (germline): Uncertain significance (1 of 4 stars; one submission).

Submission:

CeGaT Center for Human Genetics Tuebingen
Classification: Uncertain significance. Last evaluated: 2023-03-01. Review status: criteria provided, single submitter. Criteria: CeGaT Center For Human Genetics Tuebingen Variant Classification Criteria Version 2. Collection method: clinical testing. Allele origin: germline. Affected: yes. Observed: 1 variant allele.
Comment: TRAPPC11: PM2, PM3:Supporting